The following is an entry in ClinVar:

NM_004281.4(BAG3):c.872C>T (p.Ser291Leu)

Gene: BAG3 (BAG cochaperone 3; plus strand). Cytogenetic location: 10q26.11.
Variant type: single nucleotide variant.
Coding change: c.872C>T on transcript NM_004281.4 (MANE Select); coding-DNA position 872, C replaced by T.
Protein change: p.Ser291Leu; replaces serine 291 with leucine.
Molecular consequence: missense variant.
Genome position (GRCh38, 1-based): chr10:119,672,619, C>T. VCF-style: chr10-119672619-C-T. GRCh37 (hg19) VCF-style: chr10-121432131-C-T.
Other names: short protein forms S291L.
Identifiers: ClinVar variation 44792 (VCV000044792.25), dbSNP rs368866313, ClinGen allele CA135040.

ClinVar aggregate classification (germline): Conflicting classifications of pathogenicity. Review status: criteria provided, conflicting classifications (1 of 4 stars). 10 submissions from 10 submitters: Uncertain significance (6); Likely benign (4). Last evaluated 2026-05-20.

Conditions:
Cardiovascular phenotype. Identifiers: MedGen CN230736.
Myofibrillar myopathy 6. Identifiers: Orphanet 199340, MedGen C2751831, MONDO:0013061, OMIM 612954.
Dilated cardiomyopathy 1HH (CMD1HH). Identifiers: Orphanet 154, MedGen C3151293, MONDO:0013479, OMIM 613881.

Allele frequency attached by ClinVar (database versions not stated): gnomAD 0.00005; gnomAD exomes 0.00006 and 0.00010; ExAC 0.00007; TOPMed 0.00007; 1000 Genomes Project 30x 0.00016; 1000 Genomes Project 0.00020; ESP Exome Variant Server 0.00023.
gnomAD v4.1: 153 of 1,614,060 alleles (0.0095%); highest among the groups gnomAD compares: South Asian, 0.029%; 1 homozygote.

Submissions (10):

GeneDx
Classification: Uncertain significance. Last evaluated: 2026-05-20. Review status: criteria provided, single submitter. Criteria: GeneDx Variant Classification Process June 2021. Collection method: clinical testing. Allele origin: germline.
Comment: In silico analysis supports that this missense variant has a deleterious effect on protein structure/function; Has not been previously published as pathogenic or benign to our knowledge

Women's Health and Genetics/Laboratory Corporation of America, LabCorp
Classification: Likely benign. Last evaluated: 2026-05-01. Review status: criteria provided, single submitter. Criteria: LabCorp Variant Classification Summary - May 2015. Collection method: clinical testing. Allele origin: germline.

Labcorp Genetics (formerly Invitae), Labcorp
Classification: Likely benign for Dilated cardiomyopathy 1HH; Myofibrillar myopathy 6. Last evaluated: 2026-02-02. Review status: criteria provided, single submitter. Criteria: Invitae Variant Classification Sherloc (09022015). Collection method: clinical testing. Allele origin: germline.

Blueprint Genetics
Classification: Likely benign. Last evaluated: 2024-11-07. Review status: criteria provided, single submitter. Criteria: ACMG Guidelines, 2015. Collection method: clinical testing. Allele origin: germline.

Victorian Clinical Genetics Services, Murdoch Childrens Research Institute
Classification: Likely benign for Dilated cardiomyopathy 1HH. Last evaluated: 2022-09-02. Review status: criteria provided, single submitter. Criteria: ACMG Guidelines, 2015. Collection method: clinical testing. Allele origin: germline. Inheritance: Autosomal dominant inheritance.
Comment: Based on the classification scheme VCGS_Germline_v1.1.1, this variant is classified as Likely Benign. Following criteria are met: 0102 - Loss-of-function is a known mechanism of disease for this gene. (N) 0107 - This gene is known to be associated with autosomal dominant disease. (N) 0200 - Variant is predicted to result in a missense amino acid change from serine to leucine (exon 3). (N) 0251 - Variant is heterozygous. (N) 0308 - Population frequency for this variant is out of keeping with known incidence of myofibrillar myopathy. (B) 0504 - Same amino acid change has been observed in mammals. (B) 0604 - Variant is not located in an established domain, motif, hotspot or informative constraint region. (N) 0705 - No comparable variants have previous evidence for pathogenicity. (N) 0804 - Variant has previously been described as variant of uncertain significance in multiple indivudials (ClinVar). (N) 0905 - No segregation evidence has been identified for this variant. (N) 1007 - No published functional evidence has been identified for this variant. (N) 1208 - Inheritance information for this variant is not currently available. (N) Legend: (P) - Pathogenic, (N) - Neutral, (B) - Benign

Fulgent Genetics
Classification: Uncertain significance for Myofibrillar myopathy 6; Dilated cardiomyopathy 1HH. Last evaluated: 2022-01-26. Review status: criteria provided, single submitter. Criteria: ACMG Guidelines, 2015. Collection method: clinical testing. Allele origin: unknown.

Revvity Omics, Revvity
Classification: Uncertain significance. Last evaluated: 2021-10-26. Review status: criteria provided, single submitter. Criteria: ACMG Guidelines, 2015. Collection method: clinical testing. Allele origin: germline.

Ambry Genetics
Classification: Uncertain significance for Cardiovascular phenotype. Last evaluated: 2020-06-29. Review status: criteria provided, single submitter. Criteria: Ambry Variant Classification Scheme 2023. Collection method: clinical testing. Allele origin: germline.

Eurofins Ntd Llc (ga)
Classification: Uncertain significance. Last evaluated: 2016-11-16. Review status: criteria provided, single submitter. Criteria: EGL Classification Definitions 2015. Collection method: clinical testing. Allele origin: germline. Observed: 1 variant allele, 1 heterozygote.

Laboratory for Molecular Medicine, Mass General Brigham Personalized Medicine
Classification: Uncertain significance. Last evaluated: 2013-03-04. Review status: criteria provided, single submitter. Criteria: LMM Criteria. Collection method: clinical testing. Allele origin: germline. Observed: 1 variant allele.
Comment: Variant classified as Uncertain Significance - Favor Benign. The Ser291Leu varia nt in BAG3 has not been reported in the literature nor previously identified by our laboratory. This variant has been identified in 3/8600 European American chr omosomes from a broad population by the NHLBI Exome Sequencing Project. Serine (Ser) at position 291 is not conserved in mamm als and one species (rock hyrax) carries a leucine (Leu; this variant), raising the possibility that this change may be tolerated. In addition, other computatio nal analyses (biochemical amino acid properties, AlignGVGD, PolyPhen2, and SIFT) suggest that this variant may not impact the protein, though this information i s not predictive enough to rule out pathogenicity. Although this data supports t hat the Ser291Leu variant may be benign, additional studies are needed to fully assess its clinical significance.